The following is an entry in ClinVar:

ClinVar aggregate classification (germline): Pathogenic (1 of 4 stars; one submission).

Conditions:
Fanconi anemia (FA). Also called: Fanconi's anemia. Identifiers: Orphanet 84, MedGen C0015625, MeSH D005199, MONDO:0019391.

Submission:

Labcorp Genetics (formerly Invitae), Labcorp
Classification: Pathogenic for Fanconi anemia. Last evaluated: 2022-05-31. Review status: criteria provided, single submitter. Criteria: Invitae Variant Classification Sherloc (09022015). Collection method: clinical testing. Allele origin: unknown.
Comment: For these reasons, this variant has been classified as Pathogenic. A similar copy number variant has been observed in individual(s) with breast cancer and clinical features of Fanconi Anemia (PMID: 21236561, 22778927, 24989076, 29098742). This variant is a gross deletion of the genomic region encompassing exon(s) 1-12 of the FANCA gene, which includes the initiator codon. This deletion extends beyond the assayed region for this gene and therefore may encompass additional genes. It is expected to result in an absent or disrupted protein product. Loss-of-function variants in FANCA are known to be pathogenic (PMID: 19367192).

Literature cited by the submitters: PubMed 21236561; PubMed 22778927; PubMed 24989076; PubMed 29098742; PubMed 19367192.

NC_000016.9:g.(?_89858869)_(89883033_?)del

Gene: FANCA (FA complementation group A; minus strand). Cytogenetic location: 16q24.3.
Variant type: Deletion.
Identifiers: ClinVar variation 3243232 (VCV003243232.1).